The following is an entry in ClinVar:

ClinVar aggregate classification (germline): Benign/Likely benign. Review status: criteria provided, multiple submitters, no conflicts (2 of 4 stars). 9 submissions from 9 submitters: Benign (8); Likely benign (1). Last evaluated 2026-02-02.

Conditions:
Cardiovascular phenotype. Identifiers: MedGen CN230736.
Brittle cornea syndrome 1 (BCS1). Also called: DYSGENESIS MESODERMALIS CORNEAE ET SCLERAE; Corneal fragility keratoglobus, blue sclerae AND joint hypermobility; CORNEAL FRAGILITY, KERATOGLOBUS, BLUE SCLERAE, JOINT HYPEREXTENSIBILITY; EDS6B; FRAGILITAS OCULI WITH JOINT HYPEREXTENSIBILITY. Identifiers: Orphanet 90354, MedGen C0268344, MONDO:0024543, OMIM 229200.

Allele frequency attached by ClinVar (database versions not stated): ExAC 0.01630; gnomAD 0.04134; TOPMed 0.04910; 1000 Genomes Project 0.05112; 1000 Genomes Project 30x 0.05418.
gnomAD v4.1: 12,790 of 1,550,220 alleles (0.83%); highest among the groups gnomAD compares: African/African-American, 15%; 851 homozygotes.

Submissions (9):

Labcorp Genetics (formerly Invitae), Labcorp
Classification: Benign. Last evaluated: 2026-02-02. Review status: criteria provided, single submitter. Criteria: Invitae Variant Classification Sherloc (09022015). Collection method: clinical testing. Allele origin: germline.

Women's Health and Genetics/Laboratory Corporation of America, LabCorp
Classification: Benign. Last evaluated: 2026-01-21. Review status: criteria provided, single submitter. Criteria: LabCorp Variant Classification Summary - May 2015. Collection method: clinical testing. Allele origin: germline.

Blueprint Genetics
Classification: Benign. Last evaluated: 2024-11-27. Review status: criteria provided, single submitter. Criteria: ACMG Guidelines, 2015. Collection method: clinical testing. Allele origin: germline.

Mayo Clinic Laboratories, Mayo Clinic
Classification: Benign. Last evaluated: 2023-02-06. Review status: criteria provided, single submitter. Criteria: ACMG Guidelines, 2015. Collection method: clinical testing. Allele origin: germline. Observed: 38 variant alleles.

Genome-Nilou Lab
Classification: Benign for Brittle cornea syndrome 1. Last evaluated: 2021-12-05. Review status: criteria provided, single submitter. Criteria: ACMG Guidelines, 2015. Collection method: clinical testing. Allele origin: germline. Affected: no.

Ambry Genetics
Classification: Benign for Cardiovascular phenotype. Last evaluated: 2019-04-24. Review status: criteria provided, single submitter. Criteria: Ambry Variant Classification Scheme 2023. Collection method: clinical testing. Allele origin: germline.

GeneDx
Classification: Benign. Last evaluated: 2016-10-26. Review status: criteria provided, single submitter. Criteria: GeneDx Variant Classification (06012015). Collection method: clinical testing. Allele origin: germline. Affected: yes.
Comment: This variant is considered likely benign or benign based on one or more of the following criteria: it is a conservative change, it occurs at a poorly conserved position in the protein, it is predicted to be benign by multiple in silico algorithms, and/or has population frequency not consistent with disease.

Eurofins Ntd Llc (ga)
Classification: Benign. Last evaluated: 2015-05-22. Review status: criteria provided, single submitter. Criteria: EGL Classification Definitions 2015. Collection method: clinical testing. Allele origin: germline. Observed: 1 variant allele, 1 heterozygote.

Breakthrough Genomics
Classification: Likely benign. Review status: criteria provided, single submitter. Criteria: ACMG Guidelines, 2015. Collection method: not provided. Allele origin: germline. Inheritance: Autosomal recessive inheritance. Affected: yes.

NM_001367624.2(ZNF469):c.1143C>A (p.Pro381=)

Gene: ZNF469 (zinc finger protein 469; plus strand). Cytogenetic location: 16q24.2.
Variant type: single nucleotide variant.
Coding change: c.1143C>A on transcript NM_001367624.2 (MANE Select); coding-DNA position 1143, C replaced by A.
Protein change: p.Pro381=; no amino-acid change (proline 381 retained).
Molecular consequence: synonymous variant.
Genome position (GRCh38, 1-based): chr16:88,428,613, C>A. VCF-style: chr16-88428613-C-A. GRCh37 (hg19) VCF-style: chr16-88495021-C-A.
Other names: NM_001127464.1:c.1143C>A; p.Pro381=.
Identifiers: ClinVar variation 193170 (VCV000193170.23), dbSNP rs74032864, ClinGen allele CA200372.